The following is an entry in ClinVar:

ClinVar aggregate classification (germline): Uncertain significance (1 of 4 stars; one submission).

Conditions:
Desmin-related myofibrillar myopathy (MFM1). Also called: Desminopathy; Desmin related myopathy (former name); Desmin storage myopathy (former name); MYOFIBRILLAR MYOPATHY WITH ARRHYTHMOGENIC RIGHT VENTRICULAR CARDIOMYOPATHY; DESMIN-RELATED MYOPATHY WITH ARRHYTHMOGENIC RIGHT VENTRICULAR CARDIOMYOPATHY; Myofibrillar myopathy 1. Identifiers: Orphanet 363543, Orphanet 98909, MedGen C1832370, MONDO:0011076, OMIM 601419.

Submission:

Labcorp Genetics (formerly Invitae), Labcorp
Classification: Uncertain significance for Desmin-related myofibrillar myopathy. Last evaluated: 2025-04-09. Review status: criteria provided, single submitter. Criteria: Invitae Variant Classification Sherloc (09022015). Collection method: clinical testing. Allele origin: germline.
Comment: This sequence change replaces alanine, which is neutral and non-polar, with proline, which is neutral and non-polar, at codon 94 of the DES protein (p.Ala94Pro). This variant is not present in population databases (gnomAD no frequency). This variant has not been reported in the literature in individuals affected with DES-related conditions. Invitae Evidence Modeling of protein sequence and biophysical properties (such as structural, functional, and spatial information, amino acid conservation, physicochemical variation, residue mobility, and thermodynamic stability) has been performed for this missense variant. However, the output from this modeling did not meet the statistical confidence thresholds required to predict the impact of this variant on DES protein function. In summary, the available evidence is currently insufficient to determine the role of this variant in disease. Therefore, it has been classified as a Variant of Uncertain Significance.

NM_001927.4(DES):c.280G>C (p.Ala94Pro)

Gene: DES (desmin; plus strand). Cytogenetic location: 2q35.
Variant type: single nucleotide variant.
Coding change: c.280G>C on transcript NM_001927.4 (MANE Select); coding-DNA position 280, G replaced by C.
Protein change: p.Ala94Pro; replaces alanine 94 with proline.
Molecular consequence: missense variant.
Genome position (GRCh38, 1-based): chr2:219,418,742, G>C. VCF-style: chr2-219418742-G-C. GRCh37 (hg19) VCF-style: chr2-220283464-G-C.
Other names: c.280G>C, p.Ala94Pro (NM_001382710.1, NM_001382711.1, NM_001382712.1 and 3 more transcripts); short protein forms A94P.
Identifiers: ClinVar variation 4783048 (VCV004783048.1).